The following is an entry in ClinVar:

NM_004415.4(DSP):c.3956C>T (p.Thr1319Ile)

Gene: DSP (desmoplakin; plus strand). Cytogenetic location: 6p24.3.
Variant type: single nucleotide variant.
Coding change: c.3956C>T on transcript NM_004415.4 (MANE Select); coding-DNA position 3956, C replaced by T.
Protein change: p.Thr1319Ile; replaces threonine 1319 with isoleucine.
Molecular consequence: missense variant. On other transcripts: intron variant (1).
Genome position (GRCh38, 1-based): chr6:7,580,146, C>T. VCF-style: chr6-7580146-C-T. GRCh37 (hg19) VCF-style: chr6-7580379-C-T.
Other names: c.3956C>T, p.Thr1319Ile (NM_001319034.2); c.3582+374C>T (NM_001008844.3); short protein forms T1319I.
Identifiers: ClinVar variation 504527 (VCV000504527.35), dbSNP rs138599871, ClinGen allele CA039644.
Genomic context (GRCh38, chr6:7,580,146, plus strand): 5'-TGCAGCAGCGCTCTGAGGACAATGCCCGGCACAAGCAGTCCCTGGAGGAGGCTGCCAAGA[C>T]CATTCAGGACAAAAATAAGGAGATCGAGAGACTCAAAGCTGAGTTTCAGGAGGAGGCCAA-3'
Protein context (NP_004406.2, residues 1309-1329): HKQSLEEAAK[Thr1319Ile]IQDKNKEIER

ClinVar aggregate classification (germline): Conflicting classifications of pathogenicity. Review status: criteria provided, conflicting classifications (1 of 4 stars). 10 submissions from 10 submitters: Uncertain significance (9); Likely benign (1). Last evaluated 2026-09-21.

Conditions:
Arrhythmogenic cardiomyopathy with wooly hair and keratoderma. Also called: PALMOPLANTAR KERATODERMA WITH LEFT VENTRICULAR CARDIOMYOPATHY AND WOOLLY HAIR; Carvajal syndrome; Arrhythmogenic cardiomyopathy with woolly hair and keratoderma; Dilated cardiomyopathy with woolly hair and keratoderma. Identifiers: Orphanet 65282, MedGen C1854063, MONDO:0011581, OMIM 605676.
Woolly hair-skin fragility syndrome (WHSF). Identifiers: Orphanet 293165, MedGen C1843292, MONDO:0957307, OMIM 620415.
Lethal acantholytic epidermolysis bullosa (EBLA). Identifiers: Orphanet 158687, MedGen C1864826, MONDO:0012323, OMIM 609638.
Cardiomyopathy, dilated, with wooly hair, keratoderma, and tooth agenesis. Also called: Erythrokeratodermia-cardiomyopathy syndrome; Cardiomyopathy, dilated, with woolly hair, keratoderma, and tooth agenesis. Identifiers: Orphanet 476096, Orphanet 65282, MedGen C4014393, MONDO:0014355, OMIM 615821.
Keratosis palmoplantaris striata 2. Also called: KERATODERMA, PALMOPLANTAR, STRIATE FORM II; STRIATE PALMOPLANTAR KERATODERMA II; Keratosis palmoplantaris striata II. Identifiers: MedGen C1852127, MONDO:0013034, OMIM 612908.
Arrhythmogenic right ventricular dysplasia 8 (ARVD8). Also called: Arrhythmogenic Right Ventricular Dysplasia/Cardiomyopathy 8; ARRHYTHMOGENIC RIGHT VENTRICULAR DYSPLASIA, FAMILIAL, 8; ARRHYTHMOGENIC RIGHT VENTRICULAR CARDIOMYOPATHY 8. Identifiers: MedGen C1843896, MONDO:0011831, OMIM 607450.
Cardiovascular phenotype. Identifiers: MedGen CN230736.
Cardiomyopathy (CMYO). Also called: Cardiomyopathies. Identifiers: Orphanet 167848, MedGen C0878544, MONDO:0004994, HP:0001638. Inheritance: Various modes of inheritance.

Allele frequency attached by ClinVar (database versions not stated): TOPMed 0.00005; ESP Exome Variant Server 0.00008.
gnomAD v4.1: 49 of 1,613,888 alleles (0.003%); highest among the groups gnomAD compares: Non-Finnish European, 0.0037%; no homozygotes.

Submissions (10):

GeneDx
Classification: Uncertain significance. Last evaluated: 2026-09-21. Review status: criteria provided, single submitter. Criteria: GeneDx Variant Classification Process June 2021. Collection method: clinical testing. Allele origin: germline.
Comment: Reported in a patient with HCM who also harbored a pathogenic splice site variant in the MYBPC3 gene (PMID: 26656175); In silico analysis suggests that this missense variant does not alter protein structure/function; Not observed at significant frequency in large population cohorts (gnomAD); Observed in a patient with left ventricular noncompaction (PMID: 33500567); This variant is associated with the following publications: (PMID: 26656175, 33500567)

Women's Health and Genetics/Laboratory Corporation of America, LabCorp
Classification: Uncertain significance. Last evaluated: 2025-11-18. Review status: criteria provided, single submitter. Criteria: LabCorp Variant Classification Summary - May 2015. Collection method: clinical testing. Allele origin: germline.
Comment: Variant summary: DSP c.3956C>T (p.Thr1319Ile) results in a non-conservative amino acid change in the encoded protein sequence. Algorithms developed to predict the effect of missense changes on protein structure and function all suggest that this variant is likely to be disruptive. The variant allele was found at a frequency of 3e-05 in 1613888 control chromosomes. This frequency is not significantly higher than estimated for disease-causing variants in DSP, allowing no conclusion about variant significance. c.3956C>T has been reported in the literature in an individual affected with Left Ventricular Noncompaction and in an individual with Hypertrophic Cardiomyopathy who also had a co-occurring pathogenic variant in MYBPC3 (Bottillo_2016, Mazzarotto_2021). These reports do not provide unequivocal conclusions about association of the variant with Arrhythmogenic Right Ventricular Dysplasia/Cardiomyopathy. To our knowledge, no experimental evidence demonstrating an impact on protein function has been reported. The following publications have been ascertained in the context of this evaluation (PMID: 26656175, 33500567). ClinVar contains an entry for this variant (Variation ID: 504527). Based on the evidence outlined above, the variant was classified as uncertain significance.

Ambry Genetics
Classification: Uncertain significance for Cardiovascular phenotype. Last evaluated: 2025-08-30. Review status: criteria provided, single submitter. Criteria: Ambry Variant Classification Scheme 2023. Collection method: clinical testing. Allele origin: germline.
Comment: The p.T1319I variant (also known as c.3956C>T), located in coding exon 23 of the DSP gene, results from a C to T substitution at nucleotide position 3956. The threonine at codon 1319 is replaced by isoleucine, an amino acid with similar properties. This variant was detected in an individual with hypertrophic cardiomyopathy (HCM) who had additional cardiac variants, including a splicing mutation in MYBPC3 (Bottillo I et al. Gene, 2016 Feb;577:227-35), as well as in a left ventricular non-compaction (LVNC) cohort with limited clinical details (Mazzarotto F et al. Genet Med, 2021 05;23:856-864). This amino acid position is well conserved in available vertebrate species. In addition, the in silico prediction for this alteration is inconclusive. Since supporting evidence is limited at this time, the clinical significance of this alteration remains unclear.

Labcorp Genetics (formerly Invitae), Labcorp
Classification: Likely benign for Arrhythmogenic cardiomyopathy with wooly hair and keratoderma; Arrhythmogenic right ventricular dysplasia 8. Last evaluated: 2025-07-27. Review status: criteria provided, single submitter. Criteria: Invitae Variant Classification Sherloc (09022015). Collection method: clinical testing. Allele origin: germline.

Mayo Clinic Laboratories, Mayo Clinic
Classification: Uncertain significance. Last evaluated: 2025-02-22. Review status: criteria provided, single submitter. Criteria: ACMG Guidelines, 2015. Collection method: clinical testing. Allele origin: germline. Observed: 1 variant allele.

All of Us Research Program, National Institutes of Health
Classification: Uncertain significance for Arrhythmogenic cardiomyopathy with wooly hair and keratoderma. Last evaluated: 2024-05-30. Review status: criteria provided, single submitter. Criteria: ACMG Guidelines, 2015. Collection method: clinical testing. Allele origin: germline. Inheritance: Autosomal dominant inheritance. Observed: 11 variant alleles, 11 heterozygotes.
Comment: This missense variant replaces threonine with isoleucine at codon 1319 of the DSP protein. Computational prediction suggests that this variant may not impact protein structure and function (internally defined REVEL score threshold <= 0.5, PMID: 27666373). To our knowledge, functional studies have not been reported for this variant. This variant has been reported in an individual with hypertrophic cardiomyopathy, who also carried a pathogenic variant in the MYBPC3 gene that could explain the observed phenotype (PMID: 26656175). This variant has also been observed in an individual with left ventricular noncompaction (PMID: 33500567). This variant has been identified in 4/250720 chromosomes in the general population by the Genome Aggregation Database (gnomAD). The available evidence is insufficient to determine the role of this variant in disease conclusively. Therefore, this variant is classified as a Variant of Uncertain Significance.

This study involves interpretation of variants in research participants for the purpose of population health screening. Participant phenotype was not available at the time of variant classification. Additional details can be found in publication PMID: 35346344, PMCID: PMC8962531

Color Diagnostics, LLC DBA Color Health
Classification: Uncertain significance for Cardiomyopathy. Last evaluated: 2024-05-14. Review status: criteria provided, single submitter. Criteria: ACMG Guidelines, 2015. Collection method: clinical testing. Allele origin: germline.
Comment: This missense variant replaces threonine with isoleucine at codon 1319 of the DSP protein. Computational prediction suggests that this variant may not impact protein structure and function (internally defined REVEL score threshold <= 0.5, PMID: 27666373). To our knowledge, functional studies have not been reported for this variant. This variant has been reported in an individual with hypertrophic cardiomyopathy, who also carried a pathogenic variant in the MYBPC3 gene that could explain the observed phenotype (PMID: 26656175). This variant has also been observed in an individual with left ventricular noncompaction (PMID: 33500567). This variant has been identified in 4/250720 chromosomes in the general population by the Genome Aggregation Database (gnomAD). The available evidence is insufficient to determine the role of this variant in disease conclusively. Therefore, this variant is classified as a Variant of Uncertain Significance.

Blueprint Genetics
Classification: Uncertain significance. Last evaluated: 2022-01-21. Review status: criteria provided, single submitter. Criteria: ACMG Guidelines, 2015. Collection method: clinical testing. Allele origin: germline.

Fulgent Genetics
Classification: Uncertain significance for Arrhythmogenic cardiomyopathy with wooly hair and keratoderma; Arrhythmogenic right ventricular dysplasia 8; Lethal acantholytic epidermolysis bullosa; Keratosis palmoplantaris striata 2; Cardiomyopathy, dilated, with wooly hair, keratoderma, and tooth agenesis. Last evaluated: 2021-08-20. Review status: criteria provided, single submitter. Criteria: ACMG Guidelines, 2015. Collection method: clinical testing. Allele origin: unknown.

Laboratory for Molecular Medicine, Mass General Brigham Personalized Medicine
Classification: Uncertain significance. Last evaluated: 2017-08-23. Review status: criteria provided, single submitter. Criteria: LMM Criteria. Collection method: clinical testing. Allele origin: germline. Observed: 1 variant allele.
Comment: The p.Thr1319Ile variant in DSP has been reported in 1 individual with HCM, thou gh this individual carried a pathogenic MYBPC3 variant that is likely responsibl e for their disease (Bottillo 2016). This variant has been identified in 4/11121 0 of European chromosomes by the Genome Aggregation Database (gnomAD; dbSNP rs138599871). Computational prediction tools and c onservation analysis do not provide strong support for or against an impact to t he protein. In summary, the clinical significance of the p.Thr1319Ile variant is uncertain.

Literature cited by the submitters: PubMed 26656175 (cited by 6 submitters); PubMed 33500567 (cited by 5 submitters).